The following is an entry in ClinVar:

NM_000540.3(RYR1):c.8564A>G (p.Tyr2855Cys)

Genes: RYR1 (ryanodine receptor 1; plus strand), LOC126862902 (BRD4-independent group 4 enhancer GRCh37_chr19:38995830-38997029; plus strand). Cytogenetic location: 19q13.2.
Variant type: single nucleotide variant.
Coding change: c.8564A>G on transcript NM_000540.3 (MANE Select); coding-DNA position 8564, A replaced by G.
Protein change: p.Tyr2855Cys; replaces tyrosine 2855 with cysteine.
Molecular consequence: missense variant.
Genome position (GRCh38, 1-based): chr19:38,506,325, A>G. VCF-style: chr19-38506325-A-G. GRCh37 (hg19) VCF-style: chr19-38996965-A-G.
Other names: c.8564A>G, p.Tyr2855Cys (NM_001042723.2); short protein forms Y2855C.
Identifiers: ClinVar variation 3072846 (VCV003072846.4), dbSNP rs1432899779, ClinGen allele CA405679252.

ClinVar aggregate classification (germline): Uncertain significance. Review status: criteria provided, multiple submitters, no conflicts (2 of 4 stars). 3 submissions from 3 submitters: Uncertain significance (3). Last evaluated 2025-07-20.

Conditions:
Malignant hyperthermia, susceptibility to, 1 (MHS1). Also called: Anesthesia related hyperthermia; Malignant hyperpyrexia; Fulminating hyperpyrexia; Pharmacogenic myopathy; RYR1-Related Malignant Hyperthermia Susceptibility; Malignant hyperthermia suceptibility 1. Identifiers: Orphanet 423, MedGen C2930980, MONDO:0007783, OMIM 145600.
RYR1-related disorder. Also called: RYR1-related condition; RYR1-related disorders. Identifiers: MedGen CN239331.

Allele frequency attached by ClinVar (database versions not stated): gnomAD 0.00001.
gnomAD v4.1: 1 of 1,613,564 alleles (0.000062%); highest among the groups gnomAD compares: East Asian, 0.0022%; no homozygotes.

Submissions (3):

GeneDx
Classification: Uncertain significance. Last evaluated: 2025-07-20. Review status: criteria provided, single submitter. Criteria: GeneDx Variant Classification Process June 2021. Collection method: clinical testing. Allele origin: germline. Affected: yes.
Comment: Not observed at significant frequency in large population cohorts (gnomAD); In silico analysis supports that this missense variant has a deleterious effect on protein structure/function; Has not been previously published as pathogenic or benign to our knowledge; This variant is associated with the following publications: (PMID: 12668474)

Labcorp Genetics (formerly Invitae), Labcorp
Classification: Uncertain significance for RYR1-related disorder. Last evaluated: 2024-07-10. Review status: criteria provided, single submitter. Criteria: Invitae Variant Classification Sherloc (09022015). Collection method: clinical testing. Allele origin: germline.
Comment: This sequence change replaces tyrosine, which is neutral and polar, with cysteine, which is neutral and slightly polar, at codon 2855 of the RYR1 protein (p.Tyr2855Cys). This variant is present in population databases (no rsID available, gnomAD 0.06%). This variant has not been reported in the literature in individuals affected with RYR1-related conditions. Advanced modeling of protein sequence and biophysical properties (such as structural, functional, and spatial information, amino acid conservation, physicochemical variation, residue mobility, and thermodynamic stability) performed at Invitae indicates that this missense variant is expected to disrupt RYR1 protein function with a positive predictive value of 95%. In summary, the available evidence is currently insufficient to determine the role of this variant in disease. Therefore, it has been classified as a Variant of Uncertain Significance.

All of Us Research Program, National Institutes of Health
Classification: Uncertain significance for Malignant hyperthermia, susceptibility to, 1. Last evaluated: 2023-08-15. Review status: criteria provided, single submitter. Criteria: ACMG Guidelines, 2015. Collection method: clinical testing. Allele origin: germline. Inheritance: Autosomal dominant inheritance. Observed: 1 variant allele, 1 heterozygote.
Comment: This missense variant replaces tyrosine with cysteine at codon 2855 of the RYR1 protein. Computational prediction is inconclusive regarding the impact of this variant on protein structure and function (internally defined REVEL score threshold 0.5 < inconclusive < 0.7, PMID: 27666373). To our knowledge, functional studies have not been reported for this variant. This variant has not been reported in individuals affected with RYR1-related disorders in the literature. This variant has been identified in 1/31300 chromosomes in the general population by the Genome Aggregation Database (gnomAD). The available evidence is insufficient to determine the role of this variant in disease conclusively. Therefore, this variant is classified as a Variant of Uncertain Significance.

This study involves interpretation of variants in research participants for the purpose of population health screening. Participant phenotype was not available at the time of variant classification. Additional details can be found in publication PMID: 35346344, PMCID: PMC8962531